The following is an entry in ClinVar:

NM_001273.5(CHD4):c.4893G>C (p.Met1631Ile)

Genes: CHD4 (chromodomain helicase DNA binding protein 4; minus strand), CHD4-AS1 (CHD4 antisense RNA 1; plus strand). Cytogenetic location: 12p13.31.
Variant type: single nucleotide variant.
Coding change: c.4893G>C on transcript NM_001273.5 (MANE Select); coding-DNA position 4893, G replaced by C.
Protein change: p.Met1631Ile; replaces methionine 1631 with isoleucine.
Molecular consequence: missense variant.
Genome position (GRCh38, 1-based): chr12:6,581,060, C>G on the plus strand (G>C on the coding strand, the complement: CHD4 is on the minus strand). VCF-style: chr12-6581060-C-G. GRCh37 (hg19) VCF-style: chr12-6690226-C-G.
Other names: c.4872G>C, p.Met1624Ile (NM_001297553.2); c.4854G>C, p.Met1618Ile (NM_001363606.2); short protein forms M1618I, M1624I, M1631I.
Identifiers: ClinVar variation 3362050 (VCV003362050.1).
Genomic context (GRCh38, chr12:6,581,060, plus strand): 5'-TCTCAAAACAAACAAACAAACAAAAAAAATGTGGATACCTTTACCTTTGGGCTCTGTCTC[C>G]ATAGGTTCCTCTGTTCTCTCCTTCACCTCTGCCTTTTCCACTTTCTCCTCTCCCTCAGGG-3'
Protein context (NP_001264.2, residues 1621-1641): AEVKERTEEP[Met1631Ile]ETEPKGAADV

ClinVar aggregate classification (germline): Uncertain significance (1 of 4 stars; one submission).

Submission:

GeneDx
Classification: Uncertain significance. Last evaluated: 2023-05-30. Review status: criteria provided, single submitter. Criteria: GeneDx Variant Classification Process June 2021. Collection method: clinical testing. Allele origin: germline. Affected: yes.
Comment: Not observed at significant frequency in large population cohorts (gnomAD); In silico analysis supports that this missense variant does not alter protein structure/function; Has not been previously published as pathogenic or benign to our knowledge